The following is an entry in ClinVar:

NM_001278356.2(FRS2):c.1192_1193del (p.Val398fs)

Gene: FRS2 (fibroblast growth factor receptor substrate 2; plus strand). Cytogenetic location: 12q15.
Variant type: Deletion.
Coding change: c.1192_1193del on transcript NM_001278356.2 (MANE Select); coding-DNA positions 1192 to 1193, 2 bases deleted (GT; older notation c.1192_1193delGT).
Protein change: p.Val398fs; shifts the reading frame from valine 398.
Molecular consequence: frameshift variant.
Genome position (GRCh38, 1-based): chr12:69,574,620-69,574,621, GT deleted; deleting any 2 consecutive bases within chr12:69,574,619-69,574,621 gives the same sequence; the c. name uses the placement nearest the transcript's 3' end. VCF-style (leftmost placement, unchanged base first): chr12-69574618-ATG-A. GRCh37 (hg19) VCF-style: chr12-69968398-ATG-A.
Other names: c.1192_1193del, p.Val398fs (NM_001042555.3, NM_001278351.2, NM_001278353.2 and 4 more transcripts); short protein forms V398fs.
Identifiers: ClinVar variation 4879301 (VCV004879301.1).

ClinVar aggregate classification (germline): Uncertain significance (1 of 4 stars; one submission).

Submission:

Clinical Genomics Laboratory, Washington University in St. Louis
Classification: Uncertain significance. Last evaluated: 2025-10-06. Review status: criteria provided, single submitter. Criteria: ACMG Guidelines, 2015. Collection method: clinical testing. Allele origin: germline.
Comment: The FRS2 c.1192_1193del (p.Val398Asnfs*23) variant, to our knowledge, has not been reported in the medical literature. This variant is absent from the general population (gnomAD v.2.1.1), indicating it is not a common variant. This variant causes a frameshift by deleting two nucleotides, leading to a premature termination codon; however, because this occurs in the last exon, this is not predicted to lead to nonsense-mediated decay. Due to limited information, the clinical significance of this variant is uncertain.